The following is an entry in ClinVar:

ClinVar aggregate classification (germline): Conflicting classifications of pathogenicity. Review status: criteria provided, conflicting classifications (1 of 4 stars). 5 submissions from 5 submitters: Uncertain significance (4); Likely benign (1). Last evaluated 2025-09-30.

Conditions:
Autosomal dominant nonsyndromic hearing loss 4B. Identifiers: Orphanet 90635, MedGen C3281297, MONDO:0013823, OMIM 614614.

Allele frequency attached by ClinVar (database versions not stated): TOPMed 0.00002; ExAC 0.00003; gnomAD 0.00003 and 0.00006; gnomAD exomes 0.00003.
gnomAD v4.1: 107 of 1,613,810 alleles (0.0066%); highest among the groups gnomAD compares: Middle Eastern, 0.23%; no homozygotes.

Submissions (5):

Labcorp Genetics (formerly Invitae), Labcorp
Classification: Uncertain significance. Last evaluated: 2025-09-30. Review status: criteria provided, single submitter. Criteria: Invitae Variant Classification Sherloc (09022015). Collection method: clinical testing. Allele origin: germline.
Comment: This sequence change replaces alanine, which is neutral and non-polar, with valine, which is neutral and non-polar, at codon 55 of the CEACAM16 protein (p.Ala55Val). This variant is present in population databases (rs747360355, gnomAD 0.005%). This variant has not been reported in the literature in individuals affected with CEACAM16-related conditions. ClinVar contains an entry for this variant (Variation ID: 1341605). Invitae Evidence Modeling of protein sequence and biophysical properties (such as structural, functional, and spatial information, amino acid conservation, physicochemical variation, residue mobility, and thermodynamic stability) indicates that this missense variant is not expected to disrupt CEACAM16 protein function with a negative predictive value of 80%. In summary, the available evidence is currently insufficient to determine the role of this variant in disease. Therefore, it has been classified as a Variant of Uncertain Significance.

Blueprint Genetics
Classification: Uncertain significance. Last evaluated: 2024-08-07. Review status: criteria provided, single submitter. Criteria: ACMG Guidelines, 2015. Collection method: clinical testing. Allele origin: germline.

GeneDx
Classification: Uncertain significance. Last evaluated: 2022-02-01. Review status: criteria provided, single submitter. Criteria: GeneDx Variant Classification Process June 2021. Collection method: clinical testing. Allele origin: germline. Affected: yes.
Comment: In silico analysis supports that this missense variant does not alter protein structure/function; Has not been previously published as pathogenic or benign to our knowledge

Breakthrough Genomics
Classification: Uncertain significance. Review status: criteria provided, single submitter. Criteria: ACMG Guidelines, 2015. Collection method: not provided. Allele origin: germline. Inheritance: Autosomal dominant inheritance. Affected: yes.

Medical Genetics Laboratory, Niloo Shiraz Laboratory
Classification: Likely benign for Autosomal dominant nonsyndromic hearing loss 4B. Review status: criteria provided, single submitter. Criteria: ACMG Guidelines, 2015. Collection method: clinical testing. Allele origin: germline. Inheritance: Autosomal dominant inheritance. Affected: no.
Comment: This variant was observed in multiple healthy individuals in our Niloo-exome database and is also reported in gnomAD with a frequency of ƒ = 0.0000664. Considering its allele frequency, age of onset, and in silico predictions, we classified this variant as benign

NM_001039213.4(CEACAM16):c.164C>T (p.Ala55Val)

Genes: CEACAM16 (CEA cell adhesion molecule 16, tectorial membrane component; plus strand), CEACAM16-AS1 (CEACAM16, CEACAM19 and PVR antisense RNA 1; minus strand). Cytogenetic location: 19q13.32.
Variant type: single nucleotide variant.
Coding change: c.164C>T on transcript NM_001039213.4 (MANE Select); coding-DNA position 164, C replaced by T.
Protein change: p.Ala55Val; replaces alanine 55 with valine.
Molecular consequence: missense variant.
Genome position (GRCh38, 1-based): chr19:44,703,475, C>T. VCF-style: chr19-44703475-C-T. GRCh37 (hg19) VCF-style: chr19-45206745-C-T.
Other names: short protein forms A55V.
Identifiers: ClinVar variation 1341605 (VCV001341605.8), dbSNP rs747360355, ClinGen allele CA9502972.